The following is an entry in ClinVar:

NM_000642.3(AGL):c.1421C>T (p.Pro474Leu)

Gene: AGL (amylo-alpha-1,6-glucosidase and 4-alpha-glucanotransferase; plus strand). Cytogenetic location: 1p21.2.
Variant type: single nucleotide variant.
Coding change: c.1421C>T on transcript NM_000642.3 (MANE Select); coding-DNA position 1421, C replaced by T.
Protein change: p.Pro474Leu; replaces proline 474 with leucine.
Molecular consequence: missense variant.
Genome position (GRCh38, 1-based): chr1:99,876,595, C>T. VCF-style: chr1-99876595-C-T. GRCh37 (hg19) VCF-style: chr1-100342151-C-T.
Other names: c.1373C>T, p.Pro458Leu (NM_000646.3); c.1421C>T, p.Pro474Leu (NM_001425325.1, NM_001425326.1, NM_000028.3 and 2 more transcripts); c.1220C>T, p.Pro407Leu (NM_001425327.1); c.1217C>T, p.Pro406Leu (NM_001425328.1, NM_001425329.1); c.1043C>T, p.Pro348Leu (NM_001425332.1); short protein forms P474L, P458L, P348L, P406L, P407L.
Identifiers: ClinVar variation 580221 (VCV000580221.9), dbSNP rs146493448, ClinGen allele CA966480.

ClinVar aggregate classification (germline): Uncertain significance. Review status: criteria provided, single submitter (1 of 4 stars). 2 submissions from 2 submitters: Uncertain significance (1). 1 of the submissions does not count toward it. Last evaluated 2022-05-27.

Conditions:
Glycogen storage disease type III (GSD3). Also called: Cori disease; FORBES DISEASE. Identifiers: Orphanet 366, MedGen C0017922, MONDO:0009291, OMIM 232400.

Allele frequency attached by ClinVar (database versions not stated): TOPMed 0.00006; ESP Exome Variant Server 0.00015.
gnomAD v4.1: 37 of 1,613,746 alleles (0.0023%); highest among the groups gnomAD compares: African/African-American, 0.008%; no homozygotes.

Submissions (2):

Labcorp Genetics (formerly Invitae), Labcorp
Classification: Uncertain significance for Glycogen storage disease type III. Last evaluated: 2022-05-27. Review status: criteria provided, single submitter. Criteria: Invitae Variant Classification Sherloc (09022015). Collection method: clinical testing. Allele origin: germline.
Comment: This sequence change replaces proline, which is neutral and non-polar, with leucine, which is neutral and non-polar, at codon 474 of the AGL protein (p.Pro474Leu). This variant is present in population databases (rs146493448, gnomAD 0.02%). This variant has not been reported in the literature in individuals affected with AGL-related conditions. ClinVar contains an entry for this variant (Variation ID: 580221). Algorithms developed to predict the effect of missense changes on protein structure and function (SIFT, PolyPhen-2, Align-GVGD) all suggest that this variant is likely to be tolerated. In summary, the available evidence is currently insufficient to determine the role of this variant in disease. Therefore, it has been classified as a Variant of Uncertain Significance.

Natera, Inc.
Classification: Uncertain significance for Glycogen storage disease type III. Last evaluated: 2019-10-28. Review status: no assertion criteria provided. Collection method: clinical testing. Allele origin: germline. Not counted in ClinVar's aggregate classification.